The following is an entry in ClinVar:

ClinVar aggregate classification (germline): Uncertain significance (0 of 4 stars; one submission).

Conditions:
Abnormal heart morphology. Also called: Abnormality of cardiac morphology; Heart, malformation of. Identifiers: MedGen C0018798, MeSH D006330, HP:0001627.

Submission:

Yamagishi Lab, Dept of Pediatrics, Keio University school of medicine
Classification: Uncertain significance for congenital heart defects. Last evaluated: 2023-03-08. Review status: no assertion criteria provided. Collection method: clinical testing. Allele origin: germline. Inheritance: Oligogenic inheritance. Affected: yes. Observed: 1 heterozygote.
Comment: only with TBX20 mutation, congenital heart disease occurred

Literature cited by the submitters: PubMed 1135141.

NM_018055.5(NODAL):c.1021G>T (p.Val341Leu)

Gene: NODAL (nodal growth differentiation factor; minus strand). Cytogenetic location: 10q22.1.
Variant type: single nucleotide variant.
Coding change: c.1021G>T on transcript NM_018055.5 (MANE Select); coding-DNA position 1021, G replaced by T.
Protein change: p.Val341Leu; replaces valine 341 with leucine.
Molecular consequence: missense variant.
Genome position (GRCh38, 1-based): chr10:70,432,959, C>A on the plus strand (G>T on the coding strand, the complement: NODAL is on the minus strand). VCF-style: chr10-70432959-C-A. GRCh37 (hg19) VCF-style: chr10-72192715-C-A.
Other names: c.622G>T, p.Val208Leu (NM_001329906.2); short protein forms V208L, V341L.
Identifiers: ClinVar variation 2444004 (VCV002444004.1), dbSNP rs751176757, ClinGen allele CA376944849.